The following is an entry in ClinVar:

ClinVar aggregate classification (germline): Uncertain significance (1 of 4 stars; one submission).

Allele frequency attached by ClinVar (database versions not stated): gnomAD exomes below 0.00001.

Submission:

Ambry Genetics
Classification: Uncertain significance. Last evaluated: 2023-09-19. Review status: criteria provided, single submitter. Criteria: Ambry Variant Classification Scheme 2023. Collection method: clinical testing. Allele origin: germline.
Comment: The p.V216M variant (also known as c.646G>A), located in coding exon 7 of the RAD54L gene, results from a G to A substitution at nucleotide position 646. The valine at codon 216 is replaced by methionine, an amino acid with highly similar properties. This amino acid position is conserved. In addition, this alteration is predicted to be deleterious by in silico analysis. Since supporting evidence is limited at this time, the clinical significance of this alteration remains unclear.

NM_003579.4(RAD54L):c.646G>A (p.Val216Met)

Gene: RAD54L (RAD54 like; plus strand). Cytogenetic location: 1p34.1.
Variant type: single nucleotide variant.
Coding change: c.646G>A on transcript NM_003579.4 (MANE Select); coding-DNA position 646, G replaced by A.
Protein change: p.Val216Met; replaces valine 216 with methionine.
Molecular consequence: missense variant.
Genome position (GRCh38, 1-based): chr1:46,260,895, G>A. VCF-style: chr1-46260895-G-A. GRCh37 (hg19) VCF-style: chr1-46726567-G-A.
Other names: c.646G>A, p.Val216Met (NM_001142548.2); c.106G>A, p.Val36Met (NM_001370766.1); short protein forms V216M, V36M.
Identifiers: ClinVar variation 3223453 (VCV003223453.1), dbSNP rs2525669645, ClinGen allele CA340186936.